The following is an entry in ClinVar:

ClinVar aggregate classification (germline): Uncertain significance (1 of 4 stars; one submission).

Conditions:
Lissencephaly 8 (LIS8). Identifiers: MedGen C4310646, MONDO:0014992, OMIM 617255.

Submission:

MVZ Medizinische Genetik Mainz
Classification: Uncertain significance for Lissencephaly 8. Last evaluated: 2023-11-21. Review status: criteria provided, single submitter. Criteria: UK Practice Guidelines For Variant Classification V4 01 2020. Collection method: clinical testing. Allele origin: germline. Inheritance: Autosomal recessive inheritance. Affected: yes. Observed: 1 variant allele.
Comment: ACMG Criteria: PM2_SUP,PP3

NM_181783.4(TMTC3):c.2176GAG[1] (p.Glu727del)

Gene: TMTC3 (transmembrane O-mannosyltransferase targeting cadherins 3; plus strand). Cytogenetic location: 12q21.32.
Variant type: Microsatellite.
Coding change: c.2176GAG[1] on transcript NM_181783.4 (MANE Select); one copy of the 3-base unit GAG starting at c.2176; the reference has two copies in a row; one copy, 3 bases deleted.
Protein change: p.Glu727del; deletes glutamic acid 727.
Molecular consequence: inframe deletion. On other transcripts: non-coding transcript variant (1).
Genome position (GRCh38, 1-based): chr12:88,195,083-88,195,085, GAG deleted; deleting any 3 consecutive bases within chr12:88,195,079-88,195,085 gives the same sequence; the position shown is the placement nearest the transcript's 3' end. VCF-style (leftmost placement, unchanged base first): chr12-88195078-TGGA-T. GRCh37 (hg19) VCF-style: chr12-88588855-TGGA-T.
Other names: c.1996GAG[1], p.Glu667del (NM_001366574.1); c.1957GAG[1], p.Glu654del (NM_001366579.1); c.1909GAG[1], p.Glu638del (NM_001366580.1); c.1483GAG[1], p.Glu496del (NM_001366583.1); short protein forms E496del, E638del, E654del, E667del, E727del.
Identifiers: ClinVar variation 3234073 (VCV003234073.1), dbSNP rs2502044810, ClinGen allele CA2825002099.
Genomic context (GRCh38, chr12:88,195,078, plus strand): 5'-TGTTTAATCTGGCTCTCCTGTATTCCCAGACTGCAAAGGAATTAAAGGCTTTGCCAATTT[TGGA>T]GGAGTTACTCAGATACTACCCTGATCATATCAAGGGCCTCATTTTAAAAGGAGACATTCT-3'